The following is an entry in ClinVar:

NM_000038.6(APC):c.3563dup (p.Ser1189fs)

Gene: APC (APC regulator of Wnt signaling pathway; plus strand). Cytogenetic location: 5q22.2.
Variant type: Duplication.
Coding change: c.3563dup on transcript NM_000038.6 (MANE Select); coding-DNA position 3563, one base duplicated (C; older notation c.3563dupC).
Protein change: p.Ser1189fs; shifts the reading frame from serine 1189.
Molecular consequence: frameshift variant. On other transcripts: non-coding transcript variant (2).
Genome position (GRCh38, 1-based): chr5:112,839,157, C duplicated; the last of 2 consecutive C bases (chr5:112,839,156-112,839,157); duplicating either gives the same sequence. VCF-style (leftmost placement, unchanged base first): chr5-112839155-T-TC. GRCh37 (hg19) VCF-style: chr5-112174852-T-TC.
Other names: c.3386dup, p.Ser1130fs (NM_001354901.2, NM_001407453.1); c.3290dup, p.Ser1098fs (NM_001354902.2); c.3260dup, p.Ser1088fs (NM_001354903.2, NM_001407458.1, NM_001407459.1 and 1 more transcripts); c.3593dup, p.Ser1199fs (NM_001354897.2); c.3488dup, p.Ser1164fs (NM_001354898.2); c.3479dup, p.Ser1161fs (NM_001354899.2); c.3440dup, p.Ser1148fs (NM_001354900.2); c.3185dup, p.Ser1063fs (NM_001354904.2); and 11 more; short protein forms S1029fs, S1060fs, S1063fs, S1088fs, S1098fs, S1106fs, S1130fs, S1148fs.
Identifiers: ClinVar variation 2583651 (VCV002583651.4), dbSNP rs2533508001, ClinGen allele CA2582341521.

ClinVar aggregate classification (germline): Pathogenic. Review status: criteria provided, multiple submitters, no conflicts (2 of 4 stars). 2 submissions from 2 submitters: Pathogenic (2). Last evaluated 2025-05-05.

Conditions:
Familial adenomatous polyposis 1 (FAP1). Also called: POLYPOSIS, ADENOMATOUS INTESTINAL; FAMILIAL ADENOMATOUS POLYPOSIS 1, ATTENUATED. Identifiers: MedGen C2713442, MONDO:0021056, OMIM 175100. Disease mechanism: loss of function.

Submissions (2):

Labcorp Genetics (formerly Invitae), Labcorp
Classification: Pathogenic for Familial adenomatous polyposis 1. Last evaluated: 2025-05-05. Review status: criteria provided, single submitter. Criteria: Invitae Variant Classification Sherloc (09022015). Collection method: clinical testing. Allele origin: germline.
Comment: This sequence change creates a premature translational stop signal (p.Ser1189Phefs*19) in the APC gene. While this is not anticipated to result in nonsense mediated decay, it is expected to disrupt the last 1655 amino acid(s) of the APC protein. This variant is not present in population databases (gnomAD no frequency). This variant has not been reported in the literature in individuals affected with APC-related conditions. ClinVar contains an entry for this variant (Variation ID: 2583651). This variant is expected to disrupt the EB1 and HDLG binding sites, which mediate interactions with the cytoskeleton (PMID: 15311282, 17293347). While functional studies have not been performed to directly test the effect on APC protein function, this suggests that disruption of the C-terminal portion of the protein is functionally important. A different truncation (p.Tyr2645Lysfs*14) that lies downstream of this variant has been determined to be pathogenic (PMID: 9824584, 1316610, 27081525, 8381579, 22135120, internal data). This suggests that deletion of this region of the APC protein is causative of disease. For these reasons, this variant has been classified as Pathogenic.

Myriad Genetics, Inc.
Classification: Pathogenic for Familial adenomatous polyposis 1. Last evaluated: 2023-05-09. Review status: criteria provided, single submitter. Criteria: Myriad Autosomal Dominant, Autosomal Recessive and X-Linked Classification Criteria (2023). Collection method: clinical testing. Allele origin: unknown.
Comment: This variant is considered pathogenic. This variant creates a frameshift predicted to result in premature protein truncation.

Literature cited by the submitters: PubMed 15311282 (cited by Labcorp Genetics (formerly Invitae), Labcorp); PubMed 17293347 (cited by Labcorp Genetics (formerly Invitae), Labcorp); PubMed 9824584 (cited by Labcorp Genetics (formerly Invitae), Labcorp); PubMed 1316610 (cited by Labcorp Genetics (formerly Invitae), Labcorp); PubMed 27081525 (cited by Labcorp Genetics (formerly Invitae), Labcorp); PubMed 8381579 (cited by Labcorp Genetics (formerly Invitae), Labcorp); PubMed 22135120 (cited by Labcorp Genetics (formerly Invitae), Labcorp).